The following is an entry in ClinVar:

ClinVar aggregate classification (germline): Benign (1 of 4 stars; one submission).

Conditions:
Breast-ovarian cancer, familial, susceptibility to, 3. Also called: RAD51C-Related Breast/Ovarian Cancer. Identifiers: Orphanet 145, MedGen C3150659, MONDO:0013253, OMIM 613399.

Submission:

Myriad Genetics, Inc.
Classification: Benign for Breast-ovarian cancer, familial, susceptibility to, 3. Last evaluated: 2025-02-14. Review status: criteria provided, single submitter. Criteria: Myriad Autosomal Dominant, Autosomal Recessive and X-Linked Classification Criteria (2023). Collection method: clinical testing. Allele origin: unknown.
Comment: This variant is considered benign. This variant is a silent/synonymous amino acid change and it is not expected to impact splicing.

NM_058216.3(RAD51C):c.198A>G (p.Arg66=)

Gene: RAD51C (RAD51 paralog C; plus strand). Cytogenetic location: 17q22.
Variant type: single nucleotide variant.
Coding change: c.198A>G on transcript NM_058216.3 (MANE Select); coding-DNA position 198, A replaced by G.
Protein change: p.Arg66=; no amino-acid change (arginine 66 retained).
Molecular consequence: synonymous variant. On other transcripts: non-coding transcript variant (2).
Genome position (GRCh38, 1-based): chr17:58,694,983, A>G. VCF-style: chr17-58694983-A-G. GRCh37 (hg19) VCF-style: chr17-56772344-A-G.
Other names: c.198A>G, p.Arg66= (NM_002876.4).
Identifiers: ClinVar variation 3903982 (VCV003903982.1).